The following is an entry in ClinVar:

ClinVar aggregate classification (germline): Benign (1 of 4 stars; one submission).

Conditions:
Familial cancer of breast. Also called: BREAST CANCER, FAMILIAL; Hereditary breast cancer; hereditary breast carcinoma. Identifiers: Orphanet 227535, MedGen C0346153, MONDO:0016419, OMIM 114480. Disease mechanism: loss of function.

Submission:

Myriad Genetics, Inc.
Classification: Benign for Familial cancer of breast. Last evaluated: 2024-04-23. Review status: criteria provided, single submitter. Criteria: Myriad Autosomal Dominant, Autosomal Recessive and X-Linked Classification Criteria (2023). Collection method: clinical testing. Allele origin: unknown.
Comment: This variant is considered benign. This variant is a silent/synonymous amino acid change and it is not expected to impact splicing.

NM_000051.4(ATM):c.825A>G (p.Leu275=)

Gene: ATM (ATM serine/threonine kinase; plus strand). Cytogenetic location: 11q22.3.
Variant type: single nucleotide variant.
Coding change: c.825A>G on transcript NM_000051.4 (MANE Select); coding-DNA position 825, A replaced by G.
Protein change: p.Leu275=; no amino-acid change (leucine 275 retained).
Molecular consequence: synonymous variant.
Genome position (GRCh38, 1-based): chr11:108,244,950, A>G. VCF-style: chr11-108244950-A-G. GRCh37 (hg19) VCF-style: chr11-108115677-A-G.
Other names: c.825A>G, p.Leu275= (NM_001351834.2).
Identifiers: ClinVar variation 3253993 (VCV003253993.1), dbSNP rs2135242080.